The following is an entry in ClinVar:

ClinVar aggregate classification (germline): Conflicting classifications of pathogenicity. Review status: criteria provided, conflicting classifications (1 of 4 stars). 10 submissions from 10 submitters: Uncertain significance (1); Benign (6); Likely benign (3). Last evaluated 2026-01-26.

Conditions:
Cardiac arrhythmia. Also called: Arrhythmia; Cardiac rhythm disease. Identifiers: MedGen C0003811, MONDO:0007263, HP:0011675.
Cardiovascular phenotype. Identifiers: MedGen CN230736.
Long QT syndrome (LQTS). Identifiers: MedGen C0023976, MeSH D008133, MONDO:0002442. Disease mechanism: loss of function. Inheritance: Various modes of inheritance.

Allele frequency attached by ClinVar (database versions not stated): ExAC 0.00017; gnomAD 0.00134; TOPMed 0.00139; 1000 Genomes Project 30x 0.00094; 1000 Genomes Project 0.00140; ESP Exome Variant Server 0.00053.
gnomAD v4.1: 321 of 1,547,132 alleles (0.021%); highest among the groups gnomAD compares: African/African-American, 0.37%; 1 homozygote.

Submissions (10):

Labcorp Genetics (formerly Invitae), Labcorp
Classification: Likely benign for Long QT syndrome. Last evaluated: 2026-01-26. Review status: criteria provided, single submitter. Criteria: Invitae Variant Classification Sherloc (09022015). Collection method: clinical testing. Allele origin: germline.

Blueprint Genetics
Classification: Likely benign. Last evaluated: 2024-10-03. Review status: criteria provided, single submitter. Criteria: ACMG Guidelines, 2015. Collection method: clinical testing. Allele origin: germline.

ARUP Laboratories, Molecular Genetics and Genomics, ARUP Laboratories
Classification: Benign. Last evaluated: 2024-03-21. Review status: criteria provided, single submitter. Criteria: ARUP Molecular Germline Variant Investigation Process 2024. Collection method: clinical testing. Allele origin: germline.

All of Us Research Program, National Institutes of Health
Classification: Benign for Long QT syndrome. Last evaluated: 2024-02-05. Review status: criteria provided, single submitter. Criteria: ACMG Guidelines, 2015. Collection method: clinical testing. Allele origin: germline. Inheritance: Autosomal dominant inheritance. Observed: 72 variant alleles, 72 heterozygotes.
Comment: This study involves interpretation of variants in research participants for the purpose of population health screening. Participant phenotype was not available at the time of variant classification. Additional details can be found in publication PMID: 35346344, PMCID: PMC8962531

Color Diagnostics, LLC DBA Color Health
Classification: Benign for Arrhythmia. Last evaluated: 2018-10-22. Review status: criteria provided, single submitter. Criteria: ACMG Guidelines, 2015. Collection method: clinical testing. Allele origin: germline.

Women's Health and Genetics/Laboratory Corporation of America, LabCorp
Classification: Benign. Last evaluated: 2018-07-16. Review status: criteria provided, single submitter. Criteria: LabCorp Variant Classification Summary - May 2015. Collection method: clinical testing. Allele origin: germline.
Comment: Variant summary: KCNH2 c.3111C>T alters a non-conserved nucleotide resulting in a synonymous change. 5/5 computational tools predict no significant impact on normal splicing. However, these predictions have yet to be confirmed by functional studies. The variant allele was found at a frequency of 0.00036 in 170308 control chromosomes, predominantly within the African subpopulation at a frequency of 0.004 in the gnomAD database, including 1 homozygote. The observed variant frequency within African control individuals in the gnomAD database is approximately 40 fold of the estimated maximal expected allele frequency for a pathogenic variant in KCNH2 causing Arrhythmia phenotype (0.0001), strongly suggesting that the variant is a benign polymorphism found primarily in populations of African origin. To our knowledge, no occurrence of c.3111C>T in individuals affected with Arrhythmia and no experimental evidence demonstrating its impact on protein function have been reported. Three clinical diagnostic laboratories have submitted clinical-significance assessments for this variant to ClinVar after 2014 without evidence for independent evaluation (two classifying the variant as "Likely benign", and one as a VUS). Based on the evidence outlined above, the variant was classified as benign.

Athena Diagnostics
Classification: Benign. Last evaluated: 2018-03-05. Review status: criteria provided, single submitter. Criteria: Athena Diagnostics Criteria. Collection method: clinical testing. Allele origin: germline.

Ambry Genetics
Classification: Likely benign for Cardiovascular phenotype. Last evaluated: 2017-04-26. Review status: criteria provided, single submitter. Criteria: Ambry Variant Classification Scheme 2023. Collection method: clinical testing. Allele origin: germline.

Eurofins Ntd Llc (ga)
Classification: Uncertain significance. Last evaluated: 2015-01-06. Review status: criteria provided, single submitter. Criteria: EGL Classification Definitions 2015. Collection method: clinical testing. Allele origin: germline. Observed: 1 variant allele, 1 heterozygote.

GeneDx
Classification: Benign. Last evaluated: 2014-08-22. Review status: criteria provided, single submitter. Criteria: GeneDx Variant Classification (06012015). Collection method: clinical testing. Allele origin: germline. Affected: yes.
Comment: This variant is considered likely benign or benign based on one or more of the following criteria: it is a conservative change, it occurs at a poorly conserved position in the protein, it is predicted to be benign by multiple in silico algorithms, and/or has population frequency not consistent with disease.

NM_000238.4(KCNH2):c.3111C>T (p.Asp1037=)

Gene: KCNH2 (potassium voltage-gated channel subfamily H member 2; minus strand). Cytogenetic location: 7q36.1.
Variant type: single nucleotide variant.
Coding change: c.3111C>T on transcript NM_000238.4 (MANE Select); coding-DNA position 3111, C replaced by T.
Protein change: p.Asp1037=; no amino-acid change (aspartic acid 1037 retained).
Molecular consequence: synonymous variant. On other transcripts: non-coding transcript variant (2).
Genome position (GRCh38, 1-based): chr7:150,947,369, G>A on the plus strand (C>T on the coding strand, the complement: KCNH2 is on the minus strand). VCF-style: chr7-150947369-G-A. GRCh37 (hg19) VCF-style: chr7-150644457-G-A.
Other names: c.2823C>T, p.Asp941= (NM_001406753.1); c.2091C>T, p.Asp697= (NM_172057.3).
Identifiers: ClinVar variation 194157 (VCV000194157.30), dbSNP rs200799870, ClinGen allele CA007976.